The following is an entry in ClinVar:

NM_000518.5(HBB):c.316-147A>G

Genes: HBB (hemoglobin subunit beta; minus strand), LOC107133510 (origin of replication at HBB; plus strand), LOC110006319 (beta-globin gene 3' regulatory region; plus strand). Cytogenetic location: 11p15.4.
Variant type: single nucleotide variant.
Coding change: c.316-147A>G on transcript NM_000518.5 (MANE Select); 147 bases into the intron before coding-DNA position 316, A replaced by G.
Molecular consequence: intron variant.
Genome position (GRCh38, 1-based): chr11:5,225,873, T>C on the plus strand (A>G on the coding strand, the complement: HBB is on the minus strand). VCF-style: chr11-5225873-T-C. GRCh37 (hg19) VCF-style: chr11-5247103-T-C.
Identifiers: ClinVar variation 4535916 (VCV004535916.1).

ClinVar aggregate classification (germline): Likely benign (1 of 4 stars; one submission).

Submission:

Women's Health and Genetics/Laboratory Corporation of America, LabCorp
Classification: Likely benign. Last evaluated: 2025-09-02. Review status: criteria provided, single submitter. Criteria: LabCorp Variant Classification Summary - May 2015. Collection method: clinical testing. Allele origin: germline.
Comment: Variant summary: HBB c.316-147A>G is located at a position not widely known to affect splicing. Consensus agreement among computation tools predict no significant impact on normal splicing. However, these predictions have yet to be confirmed by functional studies. The variant was absent in 31400 control chromosomes. The available data on variant occurrences in the general population are insufficient to allow any conclusion about variant significance. To our knowledge, no occurrence of c.316-147A>G in individuals affected with HBB-related conditions and no experimental evidence demonstrating its impact on protein function have been reported. No submitters have cited clinical-significance assessments for this variant to ClinVar. Based on the evidence outlined above, the variant was classified as likely benign.